The following is an entry in ClinVar:

ClinVar aggregate classification (germline): Benign. Review status: criteria provided, multiple submitters, no conflicts (2 of 4 stars). 3 submissions from 3 submitters: Benign (2). 1 of the submissions does not count toward it. Last evaluated 2019-12-31.

Conditions:
LIMK1-related disorder. Also called: LIMK1-related condition.

Allele frequency attached by ClinVar (database versions not stated): ExAC 0.00351; ESP Exome Variant Server 0.01007; 1000 Genomes Project 0.01038; gnomAD 0.01050 and 0.01130; TOPMed 0.01104; 1000 Genomes Project 30x 0.01124.
gnomAD v4.1: 3,036 of 1,600,782 alleles (0.19%); highest among the groups gnomAD compares: African/African-American, 3.8%; 66 homozygotes.

Submissions (9):

Labcorp Genetics (formerly Invitae), Labcorp
Classification: Benign. Last evaluated: 2019-12-31. Review status: criteria provided, single submitter. Criteria: Invitae Variant Classification Sherloc (09022015). Collection method: clinical testing. Allele origin: germline.

Breakthrough Genomics
Classification: Benign. Review status: criteria provided, single submitter. Criteria: ACMG Guidelines, 2015. Collection method: not provided. Allele origin: germline. Inheritance: Unknown mechanism. Affected: yes.

PreventionGenetics, part of Exact Sciences
Classification: Benign for LIMK1-related condition. Last evaluated: 2019-06-12. Review status: no assertion criteria provided. Collection method: clinical testing. Allele origin: germline. Not counted in ClinVar's aggregate classification.
Comment: This variant is classified as benign based on ACMG/AMP sequence variant interpretation guidelines (Richards et al. 2015 PMID: 25741868, with internal and published modifications).

Dr. Peter K. Rogan Lab, Western University
No classification provided (evidence only). Condition: Uterine corpus endometrial carcinoma. Review status: no classification provided. Collection method: in vitro. Allele origin: not applicable. Functional consequence: skipped exon, retained intron. Not counted in ClinVar's aggregate classification.

Dr. Peter K. Rogan Lab, Western University
No classification provided (evidence only). Condition: Cervical cancer. Review status: no classification provided. Collection method: in vitro. Allele origin: not applicable. Functional consequence: skipped exon, retained intron. Not counted in ClinVar's aggregate classification.

Dr. Peter K. Rogan Lab, Western University
No classification provided (evidence only). Condition: Gastric cancer. Review status: no classification provided. Collection method: in vitro. Allele origin: not applicable. Functional consequence: retained intron. Not counted in ClinVar's aggregate classification.

Dr. Peter K. Rogan Lab, Western University
No classification provided (evidence only). Condition: Gastric cancer. Review status: no classification provided. Collection method: in vitro. Allele origin: not applicable. Functional consequence: retained intron. Not counted in ClinVar's aggregate classification.

Dr. Peter K. Rogan Lab, Western University
No classification provided (evidence only). Condition: Gastric cancer. Review status: no classification provided. Collection method: in vitro. Allele origin: not applicable. Functional consequence: retained intron. Not counted in ClinVar's aggregate classification.

Dr. Peter K. Rogan Lab, Western University
No classification provided (evidence only). Condition: Malignant tumor of esophagus. Review status: no classification provided. Collection method: in vitro. Allele origin: not applicable. Functional consequence: skipped exon, retained intron. Not counted in ClinVar's aggregate classification.

NM_002314.4(LIMK1):c.292-8C>G

Gene: LIMK1 (LIM domain kinase 1; plus strand). Cytogenetic location: 7q11.23.
Variant type: single nucleotide variant.
Coding change: c.292-8C>G on transcript NM_002314.4 (MANE Select); 8 bases into the intron before coding-DNA position 292, C replaced by G.
Molecular consequence: intron variant.
Genome position (GRCh38, 1-based): chr7:74,097,072, C>G. VCF-style: chr7-74097072-C-G. GRCh37 (hg19) VCF-style: chr7-73511402-C-G.
Other names: NC_000007.13:g.73511402C>G; c.190-8C>G (NM_001204426.2).
Identifiers: ClinVar variation 709429 (VCV000709429.8), dbSNP rs116341069, ClinGen allele CA4293562.
Genomic context (GRCh38, chr7:74,097,072, plus strand): 5'-TAGGGGAGGATCTGTGGGGGTTGTTGGGTCTGCTGAGCTGGGCTGTTCCCTCCTCACCCC[C>G]GCACCAGGTGGCTGGGGAGCTGAAGTACCACCCCGAGTGTTTCATCTGCCTCACGTGTGG-3'